The following is an entry in ClinVar:

ClinVar aggregate classification (germline): Uncertain significance (1 of 4 stars; one submission).

Conditions:
Primary ciliary dyskinesia. Also called: Ciliary dyskinesia. Identifiers: Orphanet 244, MedGen C0008780, MONDO:0016575, HP:0012265.

Submission:

Labcorp Genetics (formerly Invitae), Labcorp
Classification: Uncertain significance for Primary ciliary dyskinesia. Last evaluated: 2022-06-07. Review status: criteria provided, single submitter. Criteria: Invitae Variant Classification Sherloc (09022015). Collection method: clinical testing. Allele origin: germline.
Comment: This variant, c.1415_1417del, results in the deletion of 1 amino acid(s) of the CCDC39 protein (p.Ile472del), but otherwise preserves the integrity of the reading frame. This variant is present in population databases (no rsID available, gnomAD 0.003%). This variant has not been reported in the literature in individuals affected with CCDC39-related conditions. Experimental studies and prediction algorithms are not available or were not evaluated, and the functional significance of this variant is currently unknown. In summary, the available evidence is currently insufficient to determine the role of this variant in disease. Therefore, it has been classified as a Variant of Uncertain Significance.

NM_181426.2(CCDC39):c.1415_1417del (p.Ile472del)

Gene: CCDC39 (coiled-coil domain 39 molecular ruler complex subunit; minus strand). Cytogenetic location: 3q26.33.
Variant type: Deletion.
Coding change: c.1415_1417del on transcript NM_181426.2 (MANE Select); coding-DNA positions 1415 to 1417, 3 bases deleted (TTA; older notation c.1415_1417delTTA).
Protein change: p.Ile472del; deletes isoleucine 472.
Molecular consequence: inframe deletion.
Genome position (GRCh38, 1-based): chr3:180,647,189-180,647,191, TAA deleted on the plus strand (TTA on the coding strand, the reverse complement: CCDC39 is on the minus strand); deleting any 3 consecutive bases within chr3:180,647,189-180,647,192 gives the same sequence; the c. name uses the placement nearest the transcript's 3' end. VCF-style (leftmost placement, unchanged base first): chr3-180647188-TTAA-T. GRCh37 (hg19) VCF-style: chr3-180364976-TTAA-T.
Other names: short protein forms I472del.
Identifiers: ClinVar variation 2201375 (VCV002201375.1), dbSNP rs1336978771, ClinGen allele CA548508133.